The following is an entry in ClinVar:

NM_002485.5(NBN):c.274A>T (p.Lys92Ter)

Gene: NBN (nibrin; minus strand). Cytogenetic location: 8q21.3.
Variant type: single nucleotide variant.
Coding change: c.274A>T on transcript NM_002485.5 (MANE Select); coding-DNA position 274, A replaced by T.
Protein change: p.Lys92Ter; replaces lysine 92 with a stop codon.
Molecular consequence: nonsense.
Genome position (GRCh38, 1-based): chr8:89,981,421, T>A on the plus strand (A>T on the coding strand, the complement: NBN is on the minus strand). VCF-style: chr8-89981421-T-A. GRCh37 (hg19) VCF-style: chr8-90993649-T-A.
Other names: c.28A>T, p.Lys10Ter (NM_001024688.3); short protein forms K10*, K92*.
Identifiers: ClinVar variation 3648811 (VCV003648811.3).

ClinVar aggregate classification (germline): Pathogenic/Likely pathogenic. Review status: criteria provided, multiple submitters, no conflicts (2 of 4 stars). 2 submissions from 2 submitters: Pathogenic (1); Likely pathogenic (1). Last evaluated 2024-08-15.

Conditions:
Microcephaly, normal intelligence and immunodeficiency (NBS). Also called: IMMUNODEFICIENCY, MICROCEPHALY, AND CHROMOSOMAL INSTABILITY; SEEMANOVA SYNDROME II; Nijmegen breakage syndrome; Microcephaly with normal intelligence immunodeficiency and lymphoreticular malignancies; Nonsyndromal microcephaly autosomal recessive with normal intelligence; Seemanova syndrome 2. Identifiers: Orphanet 647, MedGen C0398791, MONDO:0009623, OMIM 251260.

Submissions (2):

Natera, Inc.
Classification: Likely pathogenic for Nijmegen breakage syndrome. Last evaluated: 2024-08-15. Review status: criteria provided, single submitter. Criteria: Natera Variant Classification Schema (03/2026). Collection method: clinical testing. Allele origin: germline.
Comment: The c.274A>T variant in NBN is a nonsense variant predicted to introduce a stop codon at amino acid 92. This variant is expected to result in nonsense mediated decay, truncation, or a dysfunctional protein product. This variant is rare in the general population with a frequency below the threshold expected for the associated phenotype(s). Given the available evidence, this variant is classified as Likely Pathogenic.

Labcorp Genetics (formerly Invitae), Labcorp
Classification: Pathogenic for Microcephaly, normal intelligence and immunodeficiency. Last evaluated: 2024-04-11. Review status: criteria provided, single submitter. Criteria: Invitae Variant Classification Sherloc (09022015). Collection method: clinical testing. Allele origin: germline.
Comment: This sequence change creates a premature translational stop signal (p.Lys92*) in the NBN gene. It is expected to result in an absent or disrupted protein product. Loss-of-function variants in NBN are known to be pathogenic (PMID: 9590180, 16415040). This variant is not present in population databases (gnomAD no frequency). This variant has not been reported in the literature in individuals affected with NBN-related conditions. Algorithms developed to predict the effect of sequence changes on RNA splicing suggest that this variant may disrupt the consensus splice site. For these reasons, this variant has been classified as Pathogenic.

Literature cited by the submitters: PubMed 9590180 (cited by Labcorp Genetics (formerly Invitae), Labcorp); PubMed 16415040 (cited by Labcorp Genetics (formerly Invitae), Labcorp).